The following is an entry in ClinVar:

NM_182961.4(SYNE1):c.20017G>T (p.Val6673Leu)

Gene: SYNE1 (spectrin repeat containing nuclear envelope protein 1; minus strand). Cytogenetic location: 6q25.2.
Variant type: single nucleotide variant.
Coding change: c.20017G>T on transcript NM_182961.4 (MANE Select); coding-DNA position 20017, G replaced by T.
Protein change: p.Val6673Leu; replaces valine 6673 with leucine.
Molecular consequence: missense variant.
Genome position (GRCh38, 1-based): chr6:152,239,583, C>A on the plus strand (G>T on the coding strand, the complement: SYNE1 is on the minus strand). VCF-style: chr6-152239583-C-A. GRCh37 (hg19) VCF-style: chr6-152560718-C-A.
Other names: c.19804G>T, p.Val6602Leu (NM_033071.5); short protein forms V6673L, V6602L.
Identifiers: ClinVar variation 845780 (VCV000845780.9), dbSNP rs578055399, ClinGen allele CA366126378.

ClinVar aggregate classification (germline): Uncertain significance (1 of 4 stars; one submission).

Conditions:
Emery-Dreifuss muscular dystrophy 4, autosomal dominant (EDMD4). Also called: EMERY-DREIFUSS MUSCULAR DYSTROPHY 4 WITH VARIABLE FEATURES. Identifiers: Orphanet 261, MedGen C2751807, MONDO:0013071, OMIM 612998.
Autosomal recessive ataxia, Beauce type. Also called: Spinocerebellar ataxia, autosomal recessive 8; ATAXIA, RECESSIVE, OF BEAUCE; SYNE1-Related Autosomal Recessive Cerebellar Ataxia; SYNE1 Deficiency. Identifiers: Orphanet 88644, MedGen C1853116, MONDO:0012549, OMIM 610743.

Submission:

Labcorp Genetics (formerly Invitae), Labcorp
Classification: Uncertain significance for Emery-Dreifuss muscular dystrophy 4, autosomal dominant; Autosomal recessive ataxia, Beauce type. Last evaluated: 2019-01-14. Review status: criteria provided, single submitter. Criteria: Invitae Variant Classification Sherloc (09022015). Collection method: clinical testing. Allele origin: germline.
Comment: In summary, the available evidence is currently insufficient to determine the role of this variant in disease. Therefore, it has been classified as a Variant of Uncertain Significance. Algorithms developed to predict the effect of missense changes on protein structure and function are either unavailable or do not agree on the potential impact of this missense change (SIFT: "Deleterious"; PolyPhen-2: "Benign"; Align-GVGD: "Class C25"). This variant has not been reported in the literature in individuals with SYNE1-related conditions. This variant is not present in population databases (ExAC no frequency). This sequence change replaces valine with leucine at codon 6602 of the SYNE1 protein (p.Val6602Leu). The valine residue is highly conserved and there is a small physicochemical difference between valine and leucine.